The following is an entry in ClinVar:

NM_001379500.1(COL18A1):c.107-12522G>A

Gene: COL18A1 (collagen type XVIII alpha 1 chain; plus strand). Cytogenetic location: 21q22.3.
Variant type: single nucleotide variant.
Coding change: c.107-12522G>A on transcript NM_001379500.1 (MANE Select); 12522 bases into the intron before coding-DNA position 107, G replaced by A.
Molecular consequence: intron variant. On other transcripts: missense variant (2).
Genome position (GRCh38, 1-based): chr21:45,455,720, G>A. VCF-style: chr21-45455720-G-A. GRCh37 (hg19) VCF-style: chr21-46875634-G-A.
Other names: c.190G>A, p.Val64Met (NM_030582.4, NM_130444.3); short protein forms V64M.
Identifiers: ClinVar variation 1378174 (VCV001378174.4), dbSNP rs373586271, ClinGen allele CA10065406.

ClinVar aggregate classification (germline): Uncertain significance (1 of 4 stars; one submission).

Allele frequency attached by ClinVar (database versions not stated): ExAC 0.00002; gnomAD exomes 0.00002; gnomAD 0.00005; TOPMed 0.00005; ESP Exome Variant Server 0.00008.
gnomAD v4.1: 35 of 1,613,792 alleles (0.0022%); highest among the groups gnomAD compares: African/African-American, 0.0053%; no homozygotes.

Submission:

Labcorp Genetics (formerly Invitae), Labcorp
Classification: Uncertain significance. Last evaluated: 2022-07-18. Review status: criteria provided, single submitter. Criteria: Invitae Variant Classification Sherloc (09022015). Collection method: clinical testing. Allele origin: germline.
Comment: This variant has not been reported in the literature in individuals affected with COL18A1-related conditions. This variant is present in population databases (rs373586271, gnomAD 0.008%). This sequence change replaces valine, which is neutral and non-polar, with methionine, which is neutral and non-polar, at codon 64 of the COL18A1 protein (p.Val64Met). The COL18A1 gene has multiple clinically relevant transcripts. This variant occurs in alternate transcript NM_030582.4, and corresponds to NM_130445.3:c.107-12522G>A in the primary transcript. ClinVar contains an entry for this variant (Variation ID: 1378174). In summary, the available evidence is currently insufficient to determine the role of this variant in disease. Therefore, it has been classified as a Variant of Uncertain Significance. Experimental studies and prediction algorithms are not available or were not evaluated, and the functional significance of this variant is currently unknown.